The following is an entry in ClinVar:

ClinVar aggregate classification (germline): Uncertain significance. Review status: criteria provided, multiple submitters, no conflicts (2 of 4 stars). 2 submissions from 2 submitters: Uncertain significance (2). Last evaluated 2026-07-06.

Conditions:
Deafness-lymphedema-leukemia syndrome. Also called: Emberger syndrome; Lymphedema, primary, with myelodysplasia. Identifiers: Orphanet 3226, MedGen C3279664, MONDO:0013540, OMIM 614038.
Monocytopenia with susceptibility to infections. Also called: MONOCYTOPENIA AND MYCOBACTERIAL INFECTION SYNDROME; MONOCYTOPENIA WITH SUSCEPTIBILITY TO MYCOBACTERIAL, FUNGAL, AND PAPILLOMAVIRUS INFECTIONS AND MYELODYSPLASIA; COMBINED IMMUNODEFICIENCY WITH SUSCEPTIBILITY TO MYCOBACTERIAL, VIRAL, AND FUNGAL INFECTIONS; Dendritic cell, monocyte, B lymphocyte, and natural killer lymphocyte deficiency; GATA2 DEFICIENCY; IMMUNODEFICIENCY 21. Identifiers: Orphanet 228423, MedGen C3280030, MONDO:0013607, OMIM 614172.
Inborn genetic diseases. Identifiers: MedGen C0950123, MeSH D030342.

Submissions (2):

Ambry Genetics
Classification: Uncertain significance for Inborn genetic diseases. Last evaluated: 2026-07-06. Review status: criteria provided, single submitter. Criteria: Ambry Variant Classification Scheme 2023. Collection method: clinical testing. Allele origin: germline.
Comment: The p.A234G variant (also known as c.701C>G), located in coding exon 2 of the GATA2 gene, results from a C to G substitution at nucleotide position 701. The alanine at codon 234 is replaced by glycine, an amino acid with similar properties. This amino acid position is conserved. In addition, the in silico prediction for this alteration is inconclusive. Based on the available evidence, the clinical significance of this variant remains unclear.

Labcorp Genetics (formerly Invitae), Labcorp
Classification: Uncertain significance for Monocytopenia with susceptibility to infections; Deafness-lymphedema-leukemia syndrome. Last evaluated: 2023-03-24. Review status: criteria provided, single submitter. Criteria: Invitae Variant Classification Sherloc (09022015). Collection method: clinical testing. Allele origin: germline.
Comment: Algorithms developed to predict the effect of sequence changes on RNA splicing suggest that this variant may create or strengthen a splice site. In summary, the available evidence is currently insufficient to determine the role of this variant in disease. Therefore, it has been classified as a Variant of Uncertain Significance. This variant is not present in population databases (gnomAD no frequency). This variant has not been reported in the literature in individuals affected with GATA2-related conditions. Advanced modeling of protein sequence and biophysical properties (such as structural, functional, and spatial information, amino acid conservation, physicochemical variation, residue mobility, and thermodynamic stability) has been performed at Invitae for this missense variant, however the output from this modeling did not meet the statistical confidence thresholds required to predict the impact of this variant on GATA2 protein function. This sequence change replaces alanine, which is neutral and non-polar, with glycine, which is neutral and non-polar, at codon 234 of the GATA2 protein (p.Ala234Gly).

NM_032638.5(GATA2):c.701C>G (p.Ala234Gly)

Gene: GATA2 (GATA binding protein 2; minus strand). Cytogenetic location: 3q21.3.
Variant type: single nucleotide variant.
Coding change: c.701C>G on transcript NM_032638.5 (MANE Select); coding-DNA position 701, C replaced by G.
Protein change: p.Ala234Gly; replaces alanine 234 with glycine.
Molecular consequence: missense variant.
Genome position (GRCh38, 1-based): chr3:128,485,897, G>C on the plus strand (C>G on the coding strand, the complement: GATA2 is on the minus strand). VCF-style: chr3-128485897-G-C. GRCh37 (hg19) VCF-style: chr3-128204740-G-C.
Other names: c.701C>G, p.Ala234Gly (NM_001145661.2, NM_001145662.1); short protein forms A234G.
Identifiers: ClinVar variation 2944061 (VCV002944061.4), dbSNP rs2472930328, ClinGen allele CA354406216.